The following is an entry in ClinVar:

NM_000080.4(CHRNE):c.980A>G (p.Asn327Ser)

Gene: CHRNE (cholinergic receptor nicotinic epsilon subunit; minus strand). Cytogenetic location: 17p13.2.
Variant type: single nucleotide variant.
Coding change: c.980A>G on transcript NM_000080.4 (MANE Select); coding-DNA position 980, A replaced by G.
Protein change: p.Asn327Ser; replaces asparagine 327 with serine.
Molecular consequence: missense variant.
Genome position (GRCh38, 1-based): chr17:4,899,520, T>C on the plus strand (A>G on the coding strand, the complement: CHRNE is on the minus strand). VCF-style: chr17-4899520-T-C. GRCh37 (hg19) VCF-style: chr17-4802815-T-C.
Other names: short protein forms N327S.
Identifiers: ClinVar variation 2170002 (VCV002170002.3), dbSNP rs989354140, ClinGen allele CA287180656.

ClinVar aggregate classification (germline): Uncertain significance (1 of 4 stars; one submission).

Conditions:
Congenital myasthenic syndrome 4A. Also called: Myasthenic syndrome, congenital, 4a, slow-channel; CONGENITAL MYASTHENIC SYNDROME TYPE Ia1; MYASTHENIC SYNDROME, CONGENITAL, 4A, SLOW-CHANNEL, AUTOSOMAL RECESSIVE. Identifiers: Orphanet 590, MedGen C4225413, MONDO:0011600, OMIM 605809.

Allele frequency attached by ClinVar (database versions not stated): gnomAD exomes 0.00001; TOPMed 0.00001.
gnomAD v4.1: 3 of 1,604,660 alleles (0.00019%); highest among the groups gnomAD compares: Admixed American, 0.0034%; no homozygotes.

Submission:

Labcorp Genetics (formerly Invitae), Labcorp
Classification: Uncertain significance for Congenital myasthenic syndrome 4A. Last evaluated: 2024-09-21. Review status: criteria provided, single submitter. Criteria: Invitae Variant Classification Sherloc (09022015). Collection method: clinical testing. Allele origin: germline.
Comment: This sequence change replaces asparagine, which is neutral and polar, with serine, which is neutral and polar, at codon 327 of the CHRNE protein (p.Asn327Ser). The frequency data for this variant in the population databases is considered unreliable, as metrics indicate poor data quality at this position in the gnomAD database. This variant has not been reported in the literature in individuals affected with CHRNE-related conditions. ClinVar contains an entry for this variant (Variation ID: 2170002). Invitae Evidence Modeling of protein sequence and biophysical properties (such as structural, functional, and spatial information, amino acid conservation, physicochemical variation, residue mobility, and thermodynamic stability) indicates that this missense variant is expected to disrupt CHRNE protein function with a positive predictive value of 80%. In summary, the available evidence is currently insufficient to determine the role of this variant in disease. Therefore, it has been classified as a Variant of Uncertain Significance.